The following is an entry in ClinVar:

ClinVar aggregate classification (germline): Uncertain significance (1 of 4 stars; one submission).

Conditions:
Nemaline myopathy 6 (NEM6). Also called: Nemaline myopathy 6, autosomal dominant. Identifiers: Orphanet 171439, MedGen C1836472, MONDO:0012237, OMIM 609273.

Submission:

Labcorp Genetics (formerly Invitae), Labcorp
Classification: Uncertain significance for Nemaline myopathy 6. Last evaluated: 2024-05-29. Review status: criteria provided, single submitter. Criteria: Invitae Variant Classification Sherloc (09022015). Collection method: clinical testing. Allele origin: germline.
Comment: This sequence change replaces isoleucine, which is neutral and non-polar, with serine, which is neutral and polar, at codon 272 of the KBTBD13 protein (p.Ile272Ser). This variant is not present in population databases (gnomAD no frequency). This variant has not been reported in the literature in individuals affected with KBTBD13-related conditions. Advanced modeling of protein sequence and biophysical properties (such as structural, functional, and spatial information, amino acid conservation, physicochemical variation, residue mobility, and thermodynamic stability) performed at Invitae indicates that this missense variant is not expected to disrupt KBTBD13 protein function with a negative predictive value of 80%. In summary, the available evidence is currently insufficient to determine the role of this variant in disease. Therefore, it has been classified as a Variant of Uncertain Significance.

NM_001101362.3(KBTBD13):c.815T>G (p.Ile272Ser)

Gene: KBTBD13 (kelch repeat and BTB domain containing 13; plus strand). Cytogenetic location: 15q22.31.
Variant type: single nucleotide variant.
Coding change: c.815T>G on transcript NM_001101362.3 (MANE Select); coding-DNA position 815, T replaced by G.
Protein change: p.Ile272Ser; replaces isoleucine 272 with serine.
Molecular consequence: missense variant.
Genome position (GRCh38, 1-based): chr15:65,077,630, T>G. VCF-style: chr15-65077630-T-G. GRCh37 (hg19) VCF-style: chr15-65369968-T-G.
Other names: short protein forms I272S.
Identifiers: ClinVar variation 3635813 (VCV003635813.2).